The following is an entry in ClinVar:

ClinVar aggregate classification (germline): Uncertain significance (1 of 4 stars; one submission).

Submission:

Labcorp Genetics (formerly Invitae), Labcorp
Classification: Uncertain significance. Last evaluated: 2022-05-12. Review status: criteria provided, single submitter. Criteria: Invitae Variant Classification Sherloc (09022015). Collection method: clinical testing. Allele origin: germline.
Comment: This variant is not present in population databases (gnomAD no frequency). This sequence change replaces arginine, which is basic and polar, with leucine, which is neutral and non-polar, at codon 565 of the PDE6C protein (p.Arg565Leu). This variant has not been reported in the literature in individuals affected with PDE6C-related conditions. In summary, the available evidence is currently insufficient to determine the role of this variant in disease. Therefore, it has been classified as a Variant of Uncertain Significance. Algorithms developed to predict the effect of missense changes on protein structure and function (SIFT, PolyPhen-2, Align-GVGD) all suggest that this variant is likely to be disruptive.

NM_006204.4(PDE6C):c.1694G>T (p.Arg565Leu)

Gene: PDE6C (phosphodiesterase 6C; plus strand). Cytogenetic location: 10q23.33.
Variant type: single nucleotide variant.
Coding change: c.1694G>T on transcript NM_006204.4 (MANE Select); coding-DNA position 1694, G replaced by T.
Protein change: p.Arg565Leu; replaces arginine 565 with leucine.
Molecular consequence: missense variant.
Genome position (GRCh38, 1-based): chr10:93,640,514, G>T. VCF-style: chr10-93640514-G-T. GRCh37 (hg19) VCF-style: chr10-95400271-G-T.
Other names: short protein forms R565L.
Identifiers: ClinVar variation 1993838 (VCV001993838.4), dbSNP rs1051925, ClinGen allele CA377618641.